The following is an entry in ClinVar:

ClinVar aggregate classification (germline): Conflicting classifications of pathogenicity. Review status: criteria provided, conflicting classifications (1 of 4 stars). 3 submissions from 3 submitters: Uncertain significance (1); Likely benign (1). 1 of the submissions does not count toward it. Last evaluated 2026-01-28.

Conditions:
Finnish congenital nephrotic syndrome (NPHS1). Also called: NEPHROTIC SYNDROME, TYPE 1. Identifiers: Orphanet 839, MedGen C0403399, MONDO:0009732, OMIM 256300.

gnomAD v4.1: 575 of 1,612,932 alleles (0.036%); highest among the groups gnomAD compares: Non-Finnish European, 0.046%; 1 homozygote.

Submissions (3):

Labcorp Genetics (formerly Invitae), Labcorp
Classification: Likely benign. Last evaluated: 2026-01-28. Review status: criteria provided, single submitter. Criteria: Invitae Variant Classification Sherloc (09022015). Collection method: clinical testing. Allele origin: germline.

Victorian Clinical Genetics Services, Murdoch Childrens Research Institute
Classification: Uncertain significance for Finnish congenital nephrotic syndrome. Last evaluated: 2020-10-19. Review status: criteria provided, single submitter. Criteria: ACMG Guidelines, 2015. Collection method: clinical testing. Allele origin: germline. Inheritance: Autosomal recessive inheritance.
Comment: Based on the classification scheme VCGS_Germline_v1.3.3, this variant is classified as VUS-3C. Following criteria are met: 0102 - Loss of function is a known mechanism of disease in this gene and is associated with nephrotic syndrome, type 1 (MIM#256300). (I) 0106 - This gene is associated with autosomal recessive disease. (I) 0200 - Variant is predicted to result in a missense amino acid change from proline to glutamine. (I) 0251 - This variant is heterozygous. (I) 0304 - Variant is present in gnomAD (v2) <0.01 for a recessive condition (42 heterozygotes, 0 homozygotes). (SP) 0309 - An alternative amino acid change at the same position has been observed in gnomAD (v2) (4152 heterozygotes, 55 homozygotes). (I) 0503 - Missense variant consistently predicted to be tolerated by multiple in silico tools or not conserved in placental mammals with a minor amino acid change. (SB) 0600 - Variant is located in the annotated C2-set domain (PDB). (I) 0709 - Another missense variant comparable to the one identified in this case has strong previous evidence for being benign. This alternative change (p.Pro264Arg), has been previously reported as a VUS and likely pathogenic (LOVD, PMID: 26560236), however, these reports did not acknowledge the global allele frequency and prevalence of homozygotes in the population. More recently, it has been reported as a benign polymorphism (ClinVar, PMID: 29676031, PMID: 23595123, PMID: 25804400). (SB) 0809 - Previous evidence of pathogenicity for this variant is inconclusive. This variant has been previously classified as a VUS (EGL Genetics). (I) 0905 - No published segregation evidence has been identified for this variant. (I) 1007 - No published functional evidence has been identified for this variant. (I) 1208 - Inheritance information for this variant is not currently available in this individual. (I) Legend: (SP) - Supporting pathogenic, (I) - Information, (SB) - Supporting benign

Department of Pathology and Laboratory Medicine, Sinai Health System
Classification: Uncertain significance. Review status: no assertion criteria provided. Collection method: clinical testing. Allele origin: unknown. Affected: yes. Study: The Canadian Open Genetics Repository (COGR). Not counted in ClinVar's aggregate classification.
Comment: The NPHS1 p.Pro264Gln variant was not identified in the literature nor was it identified in ClinVar, Cosmic or LOVD 3.0. The variant was identified in dbSNP (ID: rs34982899). The variant was identified in control databases in 43 of 280518 chromosomes at a frequency of 0.000153 (Genome Aggregation Database Feb 27, 2017). The variant was observed in the following populations: European (non-Finnish) in 40 of 127584 chromosomes (freq: 0.000314), Other in 1 of 7176 chromosomes (freq: 0.000139), African in 1 of 24694 chromosomes (freq: 0.000041) and Latino in 1 of 35350 chromosomes (freq: 0.000028); it was not observed in the Ashkenazi Jewish, East Asian, European (Finnish) and South Asian populations. The variant occurs outside of the splicing consensus sequence and in silico or computational prediction software programs (SpliceSiteFinder, MaxEntScan, NNSPLICE, GeneSplicer) do not predict a difference in splicing. The p.Pro264 residue is not conserved in mammals and four out of five computational analyses (PolyPhen-2, SIFT, AlignGVGD, MutationTaster) do not suggest a high likelihood of impact to the protein; however, this information is not predictive enough to rule out pathogenicity. In summary, based on the above information the clinical significance of this variant cannot be determined with certainty at this time. This variant is classified as a variant of uncertain significance.

Literature cited by the submitters: PubMed 23595123 (cited by Victorian Clinical Genetics Services, Murdoch Childrens Research Institute); PubMed 25804400 (cited by Victorian Clinical Genetics Services, Murdoch Childrens Research Institute); PubMed 26560236 (cited by Victorian Clinical Genetics Services, Murdoch Childrens Research Institute); PubMed 29676031 (cited by Victorian Clinical Genetics Services, Murdoch Childrens Research Institute).

NM_004646.4(NPHS1):c.791C>A (p.Pro264Gln)

Gene: NPHS1 (NPHS1 adhesion molecule, nephrin; minus strand). Cytogenetic location: 19q13.12.
Variant type: single nucleotide variant.
Coding change: c.791C>A on transcript NM_004646.4 (MANE Select); coding-DNA position 791, C replaced by A.
Protein change: p.Pro264Gln; replaces proline 264 with glutamine.
Molecular consequence: missense variant.
Genome position (GRCh38, 1-based): chr19:35,849,285, G>T on the plus strand (C>A on the coding strand, the complement: NPHS1 is on the minus strand). VCF-style: chr19-35849285-G-T. GRCh37 (hg19) VCF-style: chr19-36340187-G-T.
Other names: short protein forms P264Q.
Identifiers: ClinVar variation 1048848 (VCV001048848.10), dbSNP rs34982899, ClinGen allele CA9390657.